The following is an entry in ClinVar:

ClinVar aggregate classification (germline): Pathogenic/Likely pathogenic. Review status: criteria provided, multiple submitters, no conflicts (2 of 4 stars). 4 submissions from 4 submitters: Pathogenic (3); Likely pathogenic (1). Last evaluated 2025-10-30.

Conditions:
Familial adenomatous polyposis 4 (FAP4). Also called: MSH3-related attenuated familial adenomatous polyposis. Identifiers: Orphanet 480536, MedGen C4310719, MONDO:0044300, OMIM 617100.
Hereditary cancer-predisposing syndrome. Also called: Tumor predisposition; Neoplastic Syndromes, Hereditary; Hereditary Cancer Syndrome; Hereditary neoplastic syndrome. Identifiers: Orphanet 140162, MedGen C0027672, MeSH D009386, MONDO:0015356.

Allele frequency attached by ClinVar (database versions not stated): gnomAD 0.00001.
gnomAD v4.1: 1 of 1,613,010 alleles (0.000062%); highest among the groups gnomAD compares: Non-Finnish European, 0.000085%; no homozygotes.

Submissions (4):

Labcorp Genetics (formerly Invitae), Labcorp
Classification: Pathogenic. Last evaluated: 2025-10-30. Review status: criteria provided, single submitter. Criteria: Invitae Variant Classification Sherloc (09022015). Collection method: clinical testing. Allele origin: germline.
Comment: This sequence change creates a premature translational stop signal (p.Lys738*) in the MSH3 gene. It is expected to result in an absent or disrupted protein product. Loss-of-function variants in MSH3 are known to be pathogenic (PMID: 27476653, 37402566). This variant is not present in population databases (gnomAD no frequency). This variant has not been reported in the literature in individuals affected with MSH3-related conditions. ClinVar contains an entry for this variant (Variation ID: 802123). For these reasons, this variant has been classified as Pathogenic.

Ambry Genetics
Classification: Pathogenic for Hereditary cancer-predisposing syndrome. Last evaluated: 2024-06-28. Review status: criteria provided, single submitter. Criteria: Ambry Variant Classification Scheme 2023. Collection method: clinical testing. Allele origin: germline.
Comment: The p.K738* pathogenic mutation (also known as c.2212A>T), located in coding exon 15 of the MSH3 gene, results from an A to T substitution at nucleotide position 2212. This changes the amino acid from a lysine to a stop codon within coding exon 15. This alteration is expected to result in loss of function by premature protein truncation or nonsense-mediated mRNA decay. As such, this alteration is interpreted as a disease-causing mutation.

Myriad Genetics, Inc.
Classification: Pathogenic for Familial adenomatous polyposis 4. Last evaluated: 2023-08-30. Review status: criteria provided, single submitter. Criteria: Myriad Autosomal Dominant, Autosomal Recessive and X-Linked Classification Criteria (2023). Collection method: clinical testing. Allele origin: unknown.
Comment: This variant is considered pathogenic. This variant creates a termination codon and is predicted to result in premature protein truncation.

Mendelics
Classification: Likely pathogenic for Familial adenomatous polyposis 4. Last evaluated: 2019-05-28. Review status: criteria provided, single submitter. Criteria: Mendelics Assertion Criteria 2017. Collection method: clinical testing. Allele origin: unknown.

Literature cited by the submitters: PubMed 27476653 (cited by Labcorp Genetics (formerly Invitae), Labcorp); PubMed 37402566 (cited by Labcorp Genetics (formerly Invitae), Labcorp).

NM_002439.5(MSH3):c.2212A>T (p.Lys738Ter)

Gene: MSH3 (mutS homolog 3; plus strand). Cytogenetic location: 5q14.1.
Variant type: single nucleotide variant.
Coding change: c.2212A>T on transcript NM_002439.5 (MANE Select); coding-DNA position 2212, A replaced by T.
Protein change: p.Lys738Ter; replaces lysine 738 with a stop codon.
Molecular consequence: nonsense.
Genome position (GRCh38, 1-based): chr5:80,768,962, A>T. VCF-style: chr5-80768962-A-T. GRCh37 (hg19) VCF-style: chr5-80064781-A-T.
Other names: short protein forms K738*.
Identifiers: ClinVar variation 802123 (VCV000802123.15), dbSNP rs1580035037, ClinGen allele CA360279659.